The following is an entry in ClinVar:

ClinVar aggregate classification (germline): Uncertain significance. Review status: criteria provided, multiple submitters, no conflicts (2 of 4 stars). 8 submissions from 8 submitters: Uncertain significance (8). Last evaluated 2026-06-11.

Conditions:
Familial hemophagocytic lymphohistiocytosis 5. Also called: STXBP2-Related Familial Hemophagocytic Lymphohistiocytosis (STXBP2-fHLH). Identifiers: Orphanet 540, MedGen C2751293, MONDO:0013135, OMIM 613101.

Allele frequency attached by ClinVar (database versions not stated): gnomAD 0.00036; gnomAD exomes 0.00036 and 0.00081; TOPMed 0.00040; ESP Exome Variant Server 0.00062; ExAC 0.00098.
gnomAD v4.1: 1,193 of 1,577,622 alleles (0.076%); highest among the groups gnomAD compares: Non-Finnish European, 0.097%; 3 homozygotes.

Submissions (8):

Women's Health and Genetics/Laboratory Corporation of America, LabCorp
Classification: Uncertain significance. Last evaluated: 2026-06-11. Review status: criteria provided, single submitter. Criteria: LabCorp Variant Classification Summary - May 2015. Collection method: clinical testing. Allele origin: germline.
Comment: Variant summary: STXBP2 c.1286C>T (p.Ala429Val) results in a non-conservative amino acid change in the encoded protein sequence. Algorithms developed to predict the effect of missense changes on protein structure and function all suggest that this variant is likely to be disruptive. The variant allele was found at a frequency of 0.00076 in 1577622 control chromosomes in the gnomAD database, including 3 homozygotes. This frequency is not significantly higher than estimated for disease-causing variants in STXBP2, allowing no conclusion about variant significance, however the presence of homozygous controls is not consistent with onset/severity of STXBP2-related conditions. c.1286C>T has been observed in at least 1 individual(s) affected with clinical features of STXBP2-related conditions in the context of severe COVID-19 and in at least 1 individual from a cohort with severe aplastic anemia, without strong evidence for causality (example, Reiff_2022, Rafati_2024). These report(s) do not provide unequivocal conclusions about association of the variant with disease. At least one publication reports experimental evidence evaluating an impact on protein function, however, does not allow convincing conclusions about the variant effect (Reiff_2022). The following publications have been ascertained in the context of this evaluation (PMID: 35207437, 38810947). ClinVar contains an entry for this variant (Variation ID: 538144). Based on the evidence outlined above, the variant was classified as VUS-possibly benign.

Mayo Clinic Laboratories, Mayo Clinic
Classification: Uncertain significance. Last evaluated: 2025-05-30. Review status: criteria provided, single submitter. Criteria: ACMG Guidelines, 2015. Collection method: clinical testing. Allele origin: germline. Observed: 3 variant alleles.

Blueprint Genetics
Classification: Uncertain significance. Last evaluated: 2024-10-30. Review status: criteria provided, single submitter. Criteria: ACMG Guidelines, 2015. Collection method: clinical testing. Allele origin: germline.

CeGaT Center for Human Genetics Tuebingen
Classification: Uncertain significance. Last evaluated: 2023-06-01. Review status: criteria provided, single submitter. Criteria: CeGaT Center For Human Genetics Tuebingen Variant Classification Criteria Version 2. Collection method: clinical testing. Allele origin: germline. Affected: yes. Observed: 1 variant allele.

GeneDx
Classification: Uncertain significance. Last evaluated: 2023-05-18. Review status: criteria provided, single submitter. Criteria: GeneDx Variant Classification Process June 2021. Collection method: clinical testing. Allele origin: germline. Affected: yes.
Comment: Published functional studies demonstrate a damaging effect on NK cell degranulation and cytolytic function (Reiff et al., 2022); In silico analysis supports that this missense variant has a deleterious effect on protein structure/function; This variant is associated with the following publications: (PMID: 35207437)

Labcorp Genetics (formerly Invitae), Labcorp
Classification: Uncertain significance for Familial hemophagocytic lymphohistiocytosis 5. Last evaluated: 2022-10-25. Review status: criteria provided, single submitter. Criteria: Invitae Variant Classification Sherloc (09022015). Collection method: clinical testing. Allele origin: germline.
Comment: This sequence change replaces alanine, which is neutral and non-polar, with valine, which is neutral and non-polar, at codon 429 of the STXBP2 protein (p.Ala429Val). This variant is present in population databases (rs199924392, gnomAD 0.07%). This variant has not been reported in the literature in individuals affected with STXBP2-related conditions. ClinVar contains an entry for this variant (Variation ID: 538144). Advanced modeling of protein sequence and biophysical properties (such as structural, functional, and spatial information, amino acid conservation, physicochemical variation, residue mobility, and thermodynamic stability) performed at Invitae indicates that this missense variant is not expected to disrupt STXBP2 protein function. In summary, the available evidence is currently insufficient to determine the role of this variant in disease. Therefore, it has been classified as a Variant of Uncertain Significance.

Eurofins Ntd Llc (ga)
Classification: Uncertain significance. Last evaluated: 2018-07-19. Review status: criteria provided, single submitter. Criteria: EGL ClinVar v180209 classification definitions. Collection method: clinical testing. Allele origin: germline. Observed: 1 variant allele, 1 heterozygote.

Illumina Laboratory Services, Illumina
Classification: Uncertain significance for Familial hemophagocytic lymphohistiocytosis 5. Last evaluated: 2018-01-12. Review status: criteria provided, single submitter. Criteria: ICSL Variant Classification Criteria 13 December 2019. Collection method: clinical testing. Allele origin: germline.

Literature cited by the submitters: PubMed 35207437 (cited by Women's Health and Genetics/Laboratory Corporation of America, LabCorp and Mayo Clinic Laboratories, Mayo Clinic); PubMed 38810947 (cited by Women's Health and Genetics/Laboratory Corporation of America, LabCorp).

NM_006949.4(STXBP2):c.1286C>T (p.Ala429Val)

Gene: STXBP2 (syntaxin binding protein 2; plus strand). Cytogenetic location: 19p13.2.
Variant type: single nucleotide variant.
Coding change: c.1286C>T on transcript NM_006949.4 (MANE Select); coding-DNA position 1286, C replaced by T.
Protein change: p.Ala429Val; replaces alanine 429 with valine.
Molecular consequence: missense variant. On other transcripts: non-coding transcript variant (1).
Genome position (GRCh38, 1-based): chr19:7,645,236, C>T. VCF-style: chr19-7645236-C-T. GRCh37 (hg19) VCF-style: chr19-7710122-C-T.
Other names: c.1277C>T, p.Ala426Val (NM_001127396.3); c.1319C>T, p.Ala440Val (NM_001272034.2); short protein forms A429V, A426V, A440V.
Identifiers: ClinVar variation 538144 (VCV000538144.50), dbSNP rs199924392, ClinGen allele CA9144085.